The following is an entry in ClinVar:

NM_000090.4(COL3A1):c.3934C>T (p.Arg1312Trp)

Gene: COL3A1 (collagen type III alpha 1 chain; plus strand). Cytogenetic location: 2q32.2.
Variant type: single nucleotide variant.
Coding change: c.3934C>T on transcript NM_000090.4 (MANE Select); coding-DNA position 3934, C replaced by T.
Protein change: p.Arg1312Trp; replaces arginine 1312 with tryptophan.
Molecular consequence: missense variant.
Genome position (GRCh38, 1-based): chr2:189,010,288, C>T. VCF-style: chr2-189010288-C-T. GRCh37 (hg19) VCF-style: chr2-189875014-C-T.
Other names: p.R1312W:CGG>TGG; short protein forms R1312W.
Identifiers: ClinVar variation 199745 (VCV000199745.10), dbSNP rs794728056, ClinGen allele CA006751.

ClinVar aggregate classification (germline): Uncertain significance. Review status: criteria provided, multiple submitters, no conflicts (2 of 4 stars). 4 submissions from 4 submitters: Uncertain significance (4). Last evaluated 2026-07-07.

Conditions:
Familial thoracic aortic aneurysm and aortic dissection (TAAD). Also called: Thoracic aortic aneurysms and dissections. Identifiers: Orphanet 91387, MedGen C4707243, MONDO:0019625.
Ehlers-Danlos syndrome, type 4 (EDSVASC). Also called: Ehlers-Danlos syndrome vascular type; Ehlers Danlos syndrome, ecchymotic type; Ehlers Danlos syndrome, arterial type; Ehlers Danlos syndrome, Sack-Barabas type; Ehlers-Danlos Syndrome Type IV. Identifiers: Orphanet 286, MedGen C0268338, MONDO:0017314, OMIM 130050.

Allele frequency attached by ClinVar (database versions not stated): gnomAD exomes below 0.00001 and 0.00001; TOPMed 0.00003.
gnomAD v4.1: 3 of 1,614,084 alleles (0.00019%); highest among the groups gnomAD compares: Admixed American, 0.0017%; no homozygotes.

Submissions (4):

Ambry Genetics
Classification: Uncertain significance for Familial thoracic aortic aneurysm and aortic dissection. Last evaluated: 2026-07-07. Review status: criteria provided, single submitter. Criteria: Ambry Variant Classification Scheme 2023. Collection method: clinical testing. Allele origin: germline.
Comment: The p.R1312W variant (also known as c.3934C>T), located in coding exon 49 of the COL3A1 gene, results from a C to T substitution at nucleotide position 3934. The arginine at codon 1312 is replaced by tryptophan, an amino acid with dissimilar properties. This amino acid position is conserved. In addition, this alteration is predicted to be tolerated by in silico analysis. Based on the available evidence, the clinical significance of this variant remains unclear.

Color Diagnostics, LLC DBA Color Health
Classification: Uncertain significance for Familial thoracic aortic aneurysm and aortic dissection. Last evaluated: 2025-07-07. Review status: criteria provided, single submitter. Criteria: ACMG Guidelines, 2015. Collection method: clinical testing. Allele origin: germline.
Comment: This missense variant replaces arginine with tryptophan at codon 1312 of the COL3A1 protein. Computational prediction suggests that this variant may not impact protein structure and function. To our knowledge, functional studies have not been reported for this variant. This variant has not been reported in individuals affected with COL3A1-related disorders in the literature. This variant has been identified in 2/251414 chromosomes in the general population by the Genome Aggregation Database (gnomAD). The available evidence is insufficient to determine the role of this variant in disease conclusively. Therefore, this variant is classified as a Variant of Uncertain Significance.

GeneDx
Classification: Uncertain significance. Last evaluated: 2023-04-06. Review status: criteria provided, single submitter. Criteria: GeneDx Variant Classification Process June 2021. Collection method: clinical testing. Allele origin: germline. Affected: yes.
Comment: Has not been previously published as pathogenic or benign to our knowledge; Not observed at significant frequency in large population cohorts (gnomAD); In silico analysis supports that this missense variant has a deleterious effect on protein structure/function; Not located in the triple helical region, where the majority of pathogenic missense variants occur (HGMD)

Labcorp Genetics (formerly Invitae), Labcorp
Classification: Uncertain significance for Ehlers-Danlos syndrome, type 4. Last evaluated: 2022-11-07. Review status: criteria provided, single submitter. Criteria: Invitae Variant Classification Sherloc (09022015). Collection method: clinical testing. Allele origin: germline.
Comment: In summary, the available evidence is currently insufficient to determine the role of this variant in disease. Therefore, it has been classified as a Variant of Uncertain Significance. Advanced modeling of protein sequence and biophysical properties (such as structural, functional, and spatial information, amino acid conservation, physicochemical variation, residue mobility, and thermodynamic stability) performed at Invitae indicates that this missense variant is not expected to disrupt COL3A1 protein function. ClinVar contains an entry for this variant (Variation ID: 199745). This variant has not been reported in the literature in individuals affected with COL3A1-related conditions. This variant is present in population databases (rs794728056, gnomAD 0.006%). This sequence change replaces arginine, which is basic and polar, with tryptophan, which is neutral and slightly polar, at codon 1312 of the COL3A1 protein (p.Arg1312Trp).